The following continues an entry in ClinVar:

NM_001009944.3(PKD1):c.6916-9G>A

Gene: PKD1. ClinVar aggregate classification (germline): Pathogenic/Likely pathogenic. Pathogenic (8); Likely pathogenic (3).

Submissions 10 to 12 of 12:

Clinical Genomics, G42 Labs
Classification: Pathogenic for Polycystic kidney disease, adult type. Review status: criteria provided, single submitter. Criteria: ACMG Guidelines, 2015. Collection method: clinical testing. Allele origin: germline. Inheritance: Autosomal dominant inheritance. Affected: yes. Observed: 1 variant allele, 1 heterozygote.
Comment: The c.6916-9G>A variant lies in intron 15 of the PKD1 gene. The variant is present at very low frequency in control populations in gnomAD population (0.0001280%, GnomAD V 4.1.0), compatible with prevalence of autosomal dominant disease for this gene. In silico prediction programs indicated deleterious effect on the gene or gene product. This variant is reported as heterozygous state in multiple individuals with autosomal dominant polycystic kidney disease (ADPKD) (PMIDs: 26823553, 36755831,27499327). RT-PCR analysis has shown that this variant indeed affects mRNA splicing by creating a new acceptor site resulting in the insertion of seven nucleotides. The expected outcome in protein, p (Arg2306fs*10), is predicted to cause nonsense-mediated decay (NMD) (PMID: 17582161). Based on the available evidence, this variant has been classified as pathogenic.

Juno Genomics, Hangzhou Juno Genomics, Inc
Classification: Pathogenic for Polycystic kidney disease, adult type. Review status: criteria provided, single submitter. Criteria: ACMG Guidelines, 2015. Collection method: clinical testing. Allele origin: germline. Affected: yes.
Comment: Absent from controls (or at extremely low frequency if recessive) in Genome Aggregation Database, Exome Sequencing Project, 1000 Genomes Project, or Exome Aggregation Consortium.;Null variant in a gene where loss of function (LOF) is a known mechanism of disease.;The prevalence of the variant in affected individuals is significantly increased compared to the prevalence in controls.;Patient's phenotype or family history is highly specific for a disease with a single genetic etiology.

Department of Pathology and Laboratory Medicine, Sinai Health System
Classification: Likely pathogenic for Polycystic Kidney disease. Review status: no assertion criteria provided. Collection method: clinical testing. Allele origin: unknown. Affected: yes. Observed: 1 variant allele. Study: The Canadian Open Genetics Repository (COGR). Not counted in ClinVar's aggregate classification.
Comment: The PKD1 c.6916-9G>A variant was identified in 6 of 1522 proband chromosomes (frequency: 0.004) from individuals or families with ADPKD (Hwang 2016, Carrera 2016, Kinoshita 2016); but it was not identified in 280 healthy control chromosomes (Kinoshita 2016). The variant was not identified in dbSNP, ClinVar, GeneInsight-COGR, PKD1-LOVD, databases. The variant was not identified in the 1000 Genomes Project, the NHLBI GO Exome Sequencing Project or the Exome Aggregation Consortium (August 8th 2016) control databases. There are conflicting predictions reported in the literature for variant c.6916-9G>A: (as non- truncating with protein consequence of p.Gln2305fsx10 by Hwang 2016; as highly likely pathogenic in 3 unrelated patients with the AA change as p.Gln2305fsx10 by Carrera 2016; and as definitely pathogenic with mutation type as "typical splicing" by Kinoshita 2016). The c.6916-9G>A variant is located in the 3' splice region but does not affect the invariant -1 and -2 positions. However, positions -3 and -5 to -12 are part of the splicing consensus sequence and variants involving these positions sometimes affect splicing. In addition, 5 of 5 in silico or computational prediction software programs (SpliceSiteFinder, MaxEntScan, NNSPLICE, GeneSplicer, HumanSpliceFinder) predict a greater than 10% difference in splicing. In summary, based on the above information the clinical significance of this variant cannot be determined with certainty at this time although we would lean towards a more pathogenic role for this variant. This variant is classified as likely pathogenic.

Literature cited by the submitters: PubMed 17582161 (cited by 5 submitters); PubMed 27499327 (cited by 3 submitters); PubMed 35778421 (cited by Variantyx, Inc. and Women's Health and Genetics/Laboratory Corporation of America, LabCorp); PubMed 37509056 (cited by Variantyx, Inc.); PubMed 38481516 (cited by Variantyx, Inc.); PubMed 38527221 (cited by Variantyx, Inc.); PubMed 36755831 (cited by Victorian Clinical Genetics Services, Murdoch Childrens Research Institute and Clinical Genomics, G42 Labs); PubMed 26823553 (cited by Clinical Genomics, G42 Labs).